The following is an entry in ClinVar:

ClinVar aggregate classification (germline): Benign/Likely benign. Review status: criteria provided, multiple submitters, no conflicts (2 of 4 stars). 3 submissions from 3 submitters: Benign (1); Likely benign (2). Last evaluated 2025-11-23.

Conditions:
Keutel syndrome (KTLS). Identifiers: Orphanet 85202, MedGen C1855607, MONDO:0009495, OMIM 245150.

Allele frequency attached by ClinVar (database versions not stated): ESP Exome Variant Server 0.00015; ExAC 0.00053; TOPMed 0.00054; gnomAD 0.00056 and 0.00066; 1000 Genomes Project 30x 0.00141; 1000 Genomes Project 0.00180.
gnomAD v4.1: 709 of 1,614,142 alleles (0.044%); highest among the groups gnomAD compares: East Asian, 1.2%; 6 homozygotes.

Submissions (3):

Labcorp Genetics (formerly Invitae), Labcorp
Classification: Benign. Last evaluated: 2025-11-23. Review status: criteria provided, single submitter. Criteria: Invitae Variant Classification Sherloc (09022015). Collection method: clinical testing. Allele origin: germline.

Blueprint Genetics
Classification: Likely benign. Last evaluated: 2024-09-23. Review status: criteria provided, single submitter. Criteria: ACMG Guidelines, 2015. Collection method: clinical testing. Allele origin: germline.

Illumina Laboratory Services, Illumina
Classification: Likely benign for Keutel syndrome. Last evaluated: 2018-01-12. Review status: criteria provided, single submitter. Criteria: ICSL Variant Classification Criteria 13 December 2019. Collection method: clinical testing. Allele origin: germline.
Comment: This variant was observed in the ICSL laboratory as part of a predisposition screen in an ostensibly healthy population. It had not been previously curated by ICSL or reported in the Human Gene Mutation Database (HGMD: prior to June 1st, 2018), and was therefore a candidate for classification through an automated scoring system. Utilizing variant allele frequency, disease prevalence and penetrance estimates, and inheritance mode, an automated score was calculated to assess if this variant is too frequent to cause the disease. Based on the score and internal cut-off values, a variant classified as likely benign is not then subjected to further curation. The score for this variant resulted in a classification of likely benign for this disease.

NM_000900.5(MGP):c.207T>C (p.Asn69=)

Gene: MGP (matrix Gla protein; minus strand). Cytogenetic location: 12p12.3.
Variant type: single nucleotide variant.
Coding change: c.207T>C on transcript NM_000900.5 (MANE Select); coding-DNA position 207, T replaced by C.
Protein change: p.Asn69=; no amino-acid change (asparagine 69 retained).
Molecular consequence: synonymous variant.
Genome position (GRCh38, 1-based): chr12:14,882,244, A>G on the plus strand (T>C on the coding strand, the complement: MGP is on the minus strand). VCF-style: chr12-14882244-A-G. GRCh37 (hg19) VCF-style: chr12-15035178-A-G.
Other names: c.282T>C, p.Asn94= (NM_001190839.3).
Identifiers: ClinVar variation 307771 (VCV000307771.16), dbSNP rs186013880, ClinGen allele CA6465142.